The following is an entry in ClinVar:

ClinVar aggregate classification (germline): Uncertain significance (1 of 4 stars; one submission).

Submission:

Labcorp Genetics (formerly Invitae), Labcorp
Classification: Uncertain significance. Last evaluated: 2025-04-23. Review status: criteria provided, single submitter. Criteria: Invitae Variant Classification Sherloc (09022015). Collection method: clinical testing. Allele origin: germline.
Comment: This sequence change replaces histidine, which is basic and polar, with tyrosine, which is neutral and polar, at codon 58 of the ACAN protein (p.His58Tyr). This variant is not present in population databases (gnomAD no frequency). This variant has not been reported in the literature in individuals affected with ACAN-related conditions. Invitae Evidence Modeling of protein sequence and biophysical properties (such as structural, functional, and spatial information, amino acid conservation, physicochemical variation, residue mobility, and thermodynamic stability) indicates that this missense variant is not expected to disrupt ACAN protein function with a negative predictive value of 80%. In summary, the available evidence is currently insufficient to determine the role of this variant in disease. Therefore, it has been classified as a Variant of Uncertain Significance.

NM_001369268.1(ACAN):c.172C>T (p.His58Tyr)

Gene: ACAN (aggrecan; plus strand). Cytogenetic location: 15q26.1.
Variant type: single nucleotide variant.
Coding change: c.172C>T on transcript NM_001369268.1 (MANE Select); coding-DNA position 172, C replaced by T.
Protein change: p.His58Tyr; replaces histidine 58 with tyrosine.
Molecular consequence: missense variant.
Genome position (GRCh38, 1-based): chr15:88,838,764, C>T. VCF-style: chr15-88838764-C-T. GRCh37 (hg19) VCF-style: chr15-89381995-C-T.
Other names: c.172C>T, p.His58Tyr (NM_001135.4, NM_001411096.1, NM_001411097.1 and 1 more transcripts); short protein forms H58Y.
Identifiers: ClinVar variation 4740647 (VCV004740647.1).